The following is an entry in ClinVar:

NM_001040108.2(MLH3):c.1675G>C (p.Glu559Gln)

Gene: MLH3 (mutL homolog 3; minus strand). Cytogenetic location: 14q24.3.
Variant type: single nucleotide variant.
Coding change: c.1675G>C on transcript NM_001040108.2 (MANE Select); coding-DNA position 1675, G replaced by C.
Protein change: p.Glu559Gln; replaces glutamic acid 559 with glutamine.
Molecular consequence: missense variant.
Genome position (GRCh38, 1-based): chr14:75,047,981, C>G on the plus strand (G>C on the coding strand, the complement: MLH3 is on the minus strand). VCF-style: chr14-75047981-C-G. GRCh37 (hg19) VCF-style: chr14-75514684-C-G.
Other names: c.1675G>C, p.Glu559Gln (NM_014381.3); short protein forms E559Q.
Identifiers: ClinVar variation 3295159 (VCV003295159.1).

ClinVar aggregate classification (germline): Uncertain significance (1 of 4 stars; one submission).

Submission:

Ambry Genetics
Classification: Uncertain significance. Last evaluated: 2024-06-07. Review status: criteria provided, single submitter. Criteria: Ambry Variant Classification Scheme 2023. Collection method: clinical testing. Allele origin: germline.
Comment: The p.E559Q variant (also known as c.1675G>C), located in coding exon 1 of the MLH3 gene, results from a G to C substitution at nucleotide position 1675. The glutamic acid at codon 559 is replaced by glutamine, an amino acid with highly similar properties. This amino acid position is conserved. In addition, this alteration is predicted to be tolerated by in silico analysis. Based on the available evidence, the clinical significance of this variant remains unclear.